The following is an entry in ClinVar:

ClinVar aggregate classification (germline): Uncertain significance (1 of 4 stars; one submission).

gnomAD v4.1: 1 of 1,583,546 alleles (0.000063%); highest among the groups gnomAD compares: Non-Finnish European, 0.000087%; no homozygotes.

Submission:

Labcorp Genetics (formerly Invitae), Labcorp
Classification: Uncertain significance. Last evaluated: 2022-08-22. Review status: criteria provided, single submitter. Criteria: Invitae Variant Classification Sherloc (09022015). Collection method: clinical testing. Allele origin: germline.
Comment: This variant is not present in population databases (gnomAD no frequency). This variant has not been reported in the literature in individuals affected with IARS2-related conditions. Variants that disrupt the consensus splice site are a relatively common cause of aberrant splicing (PMID: 17576681, 9536098). Algorithms developed to predict the effect of sequence changes on RNA splicing suggest that this variant is not likely to affect RNA splicing. In summary, the available evidence is currently insufficient to determine the role of this variant in disease. Therefore, it has been classified as a Variant of Uncertain Significance. This sequence change falls in intron 7 of the IARS2 gene. It does not directly change the encoded amino acid sequence of the IARS2 protein. It affects a nucleotide within the consensus splice site.

Literature cited by the submitters: PubMed 17576681; PubMed 9536098.

NM_018060.4(IARS2):c.950+3G>A

Gene: IARS2 (isoleucyl-tRNA synthetase 2, mitochondrial; plus strand). Cytogenetic location: 1q41.
Variant type: single nucleotide variant.
Coding change: c.950+3G>A on transcript NM_018060.4 (MANE Select); 3 bases into the intron after coding-DNA position 950, G replaced by A.
Molecular consequence: intron variant.
Genome position (GRCh38, 1-based): chr1:220,102,780, G>A. VCF-style: chr1-220102780-G-A. GRCh37 (hg19) VCF-style: chr1-220276122-G-A.
Identifiers: ClinVar variation 1936480 (VCV001936480.5), dbSNP rs2528503092, ClinGen allele CA2580062208.